The following is an entry in ClinVar:

Conditions:
Breast-ovarian cancer, familial, susceptibility to, 1 (BROVCA1). Also called: BRCA1 Hereditary Breast and Ovarian Cancer; OVARIAN CANCER, SUSCEPTIBILITY TO. Identifiers: Orphanet 145, MedGen C2676676, MONDO:0011450, OMIM 604370. Disease mechanism: loss of function.

Submission:

Brotman Baty Institute, University of Washington
No classification provided (evidence only). Condition: Breast-ovarian cancer, familial 1. Review status: no classification provided. Collection method: in vitro. Allele origin: not applicable. Functional consequence: functionally_normal.
ClinVar note: "not provided" was previously submitted as the classification for the variant. However, the classification appeared to be based only on an observation of functional data so it was converted to no classification on 2025-07-30.

NM_007294.4(BRCA1):c.5411T>C (p.Val1804Ala)

Gene: BRCA1 (BRCA1 DNA repair associated; minus strand). Cytogenetic location: 17q21.31.
Variant type: single nucleotide variant.
Coding change: c.5411T>C on transcript NM_007294.4 (MANE Select); coding-DNA position 5411, T replaced by C.
Protein change: p.Val1804Ala; replaces valine 1804 with alanine.
Molecular consequence: missense variant. On other transcripts: synonymous variant (17).
Genome position (GRCh38, 1-based): chr17:43,047,699, A>G on the plus strand (T>C on the coding strand, the complement: BRCA1 is on the minus strand). VCF-style: chr17-43047699-A-G. GRCh37 (hg19) VCF-style: chr17-41199716-A-G.
Other names: c.1958T>C, p.Val653Ala (NM_001408461.1, NM_001408462.1, NM_001408463.1 and 7 more transcripts); c.1898T>C, p.Val633Ala (NM_001408475.1, NM_001408476.1); c.1892T>C, p.Val631Ala (NM_001408478.1, NM_001408479.1, NM_001408480.1); c.1889T>C, p.Val630Ala (NM_001408481.1, NM_001408482.1, NM_001408483.1 and 5 more transcripts); c.1838T>C, p.Val613Ala (NM_001408498.1, NM_001408499.1, NM_001408500.1 and 3 more transcripts); c.1835T>C, p.Val612Ala (NM_001408502.1, NM_001408503.1, NM_001408504.1); c.1832T>C, p.Val611Ala (NM_001408505.1); c.1775T>C, p.Val592Ala (NM_001408506.1); and 83 more; short protein forms V1825A, V700A, V1757A, V1804A, V1677A, V1692A, V1735A, V1755A.
Identifiers: ClinVar variation 865470 (VCV000865470.3), dbSNP rs80356920, ClinGen allele CA10590643.
Genomic context (GRCh38, chr17:43,047,699, plus strand): 5'-TTACCATGGAAGCCATTGTCCTCTGTCCAGGCATCTGGCTGCACAACCACAATTGGGTGG[A>G]CACCCTGGATCCCCAGGAAGGAAAGAGCATTCAAAGTGTCAAAGTAGGACTACTGGAACT-3'
Protein context (NP_009225.1, residues 1794-1814): ELSSFTLGTG[Val1804Ala]HPIVVVQPDA